The following is an entry in ClinVar:

NM_001005242.3(PKP2):c.2357C>T (p.Ala786Val)

Gene: PKP2 (plakophilin 2; minus strand). Cytogenetic location: 12p11.21.
Variant type: single nucleotide variant.
Coding change: c.2357C>T on transcript NM_001005242.3 (MANE Select); coding-DNA position 2357, C replaced by T.
Protein change: p.Ala786Val; replaces alanine 786 with valine.
Molecular consequence: missense variant.
Genome position (GRCh38, 1-based): chr12:32,796,109, G>A on the plus strand (C>T on the coding strand, the complement: PKP2 is on the minus strand). VCF-style: chr12-32796109-G-A. GRCh37 (hg19) VCF-style: chr12-32949043-G-A.
Other names: c.2192C>T, p.Ala731Val (NM_001407156.1); c.2030C>T, p.Ala677Val (NM_001407158.1, NM_001407159.1); c.2489C>T, p.Ala830Val (NM_004572.4); short protein forms A731V, A830V, A677V, A786V.
Identifiers: ClinVar variation 2080295 (VCV002080295.8), dbSNP rs1057518582, ClinGen allele CA384357469.

ClinVar aggregate classification (germline): Uncertain significance. Review status: criteria provided, multiple submitters, no conflicts (2 of 4 stars). 4 submissions from 4 submitters: Uncertain significance (4). Last evaluated 2025-07-14.

Conditions:
Arrhythmogenic right ventricular cardiomyopathy (ARVD). Also called: Cardiomyopathy, ARVC; Arrhythmogenic cardiomyopathy; Arrhythmogenic Right Ventricular Cardiomyopathy (ARVC); Arrhythmogenic right ventricular dysplasia. Identifiers: Orphanet 247, MedGen C0349788, MeSH D019571, MONDO:0016587. Disease mechanism: loss of function. Inheritance: Various modes of inheritance.
Cardiomyopathy (CMYO). Also called: Cardiomyopathies. Identifiers: Orphanet 167848, MedGen C0878544, MONDO:0004994, HP:0001638. Inheritance: Various modes of inheritance.
Cardiovascular phenotype. Identifiers: MedGen CN230736.
Arrhythmogenic right ventricular dysplasia 9 (ARVD9). Also called: ARRHYTHMOGENIC RIGHT VENTRICULAR DYSPLASIA, FAMILIAL, 9; Arrhythmogenic Right Ventricular Dysplasia/Cardiomyopathy 9. Identifiers: MedGen C1836906, MONDO:0012180, OMIM 609040.

Allele frequency attached by ClinVar (database versions not stated): TOPMed below 0.00001; gnomAD 0.00001.
gnomAD v4.1: 5 of 1,612,702 alleles (0.00031%); highest among the groups gnomAD compares: African/African-American, 0.0053%; no homozygotes.

Submissions (4):

Labcorp Genetics (formerly Invitae), Labcorp
Classification: Uncertain significance for Arrhythmogenic right ventricular dysplasia 9. Last evaluated: 2025-07-14. Review status: criteria provided, single submitter. Criteria: Invitae Variant Classification Sherloc (09022015). Collection method: clinical testing. Allele origin: germline.
Comment: This sequence change replaces alanine, which is neutral and non-polar, with valine, which is neutral and non-polar, at codon 830 of the PKP2 protein (p.Ala830Val). This variant is not present in population databases (gnomAD no frequency). This variant has not been reported in the literature in individuals affected with PKP2-related conditions. ClinVar contains an entry for this variant (Variation ID: 2080295). An algorithm developed to predict the effect of missense changes on protein structure and function outputs the following: PolyPhen-2: "Benign". The valine amino acid residue is found in multiple mammalian species, which suggests that this missense change does not adversely affect protein function. In summary, the available evidence is currently insufficient to determine the role of this variant in disease. Therefore, it has been classified as a Variant of Uncertain Significance.

Ambry Genetics
Classification: Uncertain significance for Cardiovascular phenotype. Last evaluated: 2025-02-07. Review status: criteria provided, single submitter. Criteria: Ambry Variant Classification Scheme 2023. Collection method: clinical testing. Allele origin: germline.
Comment: The p.A830V variant (also known as c.2489C>T), located in coding exon 12 of the PKP2 gene, results from a C to T substitution at nucleotide position 2489. The amino acid change results in alanine to valine at codon 830, an amino acid with similar properties. However, this change occurs in the last base pair of coding exon 12, which makes it likely to have some effect on normal mRNA splicing. This amino acid position is poorly conserved in available vertebrate species. In addition, this alteration is predicted to be tolerated by in silico analysis. Based on the available evidence, the clinical significance of this variant remains unclear.

All of Us Research Program, National Institutes of Health
Classification: Uncertain significance for Arrhythmogenic right ventricular cardiomyopathy. Last evaluated: 2024-08-30. Review status: criteria provided, single submitter. Criteria: ACMG Guidelines, 2015. Collection method: clinical testing. Allele origin: germline. Inheritance: Autosomal dominant inheritance. Observed: 4 variant alleles, 4 heterozygotes.
Comment: This missense variant replaces alanine with valine at codon 830 of the PKP2 protein. Computational prediction suggests that this variant may not impact protein structure and function (internally defined REVEL score threshold <= 0.5, PMID: 27666373). To our knowledge, functional studies have not been reported for this variant. This variant has not been reported in individuals affected with cardiovascular disorders in the literature. This variant has not been identified in the general population by the Genome Aggregation Database (gnomAD). The available evidence is insufficient to determine the role of this variant in disease conclusively. Therefore, this variant is classified as a Variant of Uncertain Significance.

This study involves interpretation of variants in research participants for the purpose of population health screening. Participant phenotype was not available at the time of variant classification. Additional details can be found in publication PMID: 35346344, PMCID: PMC8962531

Color Diagnostics, LLC DBA Color Health
Classification: Uncertain significance for Cardiomyopathy. Last evaluated: 2024-04-17. Review status: criteria provided, single submitter. Criteria: ACMG Guidelines, 2015. Collection method: clinical testing. Allele origin: germline.
Comment: This missense variant replaces alanine with valine at codon 830 of the PKP2 protein. Computational prediction suggests that this variant may not impact protein structure and function (internally defined REVEL score threshold <= 0.5, PMID: 27666373). To our knowledge, functional studies have not been reported for this variant. This variant has not been reported in individuals affected with cardiovascular disorders in the literature. This variant has not been identified in the general population by the Genome Aggregation Database (gnomAD). The available evidence is insufficient to determine the role of this variant in disease conclusively. Therefore, this variant is classified as a Variant of Uncertain Significance.